The following is an entry in ClinVar:

ClinVar aggregate classification (germline): Uncertain significance. Review status: criteria provided, multiple submitters, no conflicts (2 of 4 stars). 2 submissions from 2 submitters: Uncertain significance (2). Last evaluated 2024-09-30.

gnomAD v4.1: 157 of 1,614,024 alleles (0.0097%); highest among the groups gnomAD compares: Middle Eastern, 0.083%; no homozygotes.

Submissions (2):

Ambry Genetics
Classification: Uncertain significance. Last evaluated: 2024-09-30. Review status: criteria provided, single submitter. Criteria: Ambry Variant Classification Scheme 2023. Collection method: clinical testing. Allele origin: germline.

GeneDx
Classification: Uncertain significance. Last evaluated: 2024-08-23. Review status: criteria provided, single submitter. Criteria: GeneDx Variant Classification Process June 2021. Collection method: clinical testing. Allele origin: germline. Affected: yes.
Comment: In silico analysis indicates that this missense variant does not alter protein structure/function; Has not been previously published as pathogenic or benign to our knowledge

NM_001353694.2(TIAM1):c.3488C>T (p.Thr1163Met)

Gene: TIAM1 (TIAM Rac1 associated GEF 1; minus strand). Cytogenetic location: 21q22.11.
Variant type: single nucleotide variant.
Coding change: c.3488C>T on transcript NM_001353694.2 (MANE Select); coding-DNA position 3488, C replaced by T.
Protein change: p.Thr1163Met; replaces threonine 1163 with methionine.
Molecular consequence: missense variant.
Genome position (GRCh38, 1-based): chr21:31,141,492, G>A on the plus strand (C>T on the coding strand, the complement: TIAM1 is on the minus strand). VCF-style: chr21-31141492-G-A. GRCh37 (hg19) VCF-style: chr21-32513810-G-A.
Other names: c.587C>T, p.Thr196Met (NM_001353684.2); c.512C>T, p.Thr171Met (NM_001353685.2); c.3413C>T, p.Thr1138Met (NM_001353686.2, NM_001353687.2); c.3488C>T, p.Thr1163Met (NM_001353688.1, NM_001353689.1, NM_001353690.1 and 4 more transcripts); short protein forms T171M, T196M, T1138M, T1163M.
Identifiers: ClinVar variation 3456400 (VCV003456400.2).
Genomic context (GRCh38, chr21:31,141,492, plus strand): 5'-TCCAGCGTGGATGAGTGCTGCTGCTTCGGGTTCTGGGCATCCAAGAATGCCTTGAAAGCC[G>A]TGTCTGTCTTGGCTGGCAGGGTTTAAACACAGGTCATGGGGGTGGAACGCCCACGTGACT-3'
Protein context (NP_001340623.1, residues 1153-1173): PKVLVKAKTD[Thr1163Met]AFKAFLDAQN